The following is an entry in ClinVar:

NM_000051.4(ATM):c.4110-10A>G

Gene: ATM (ATM serine/threonine kinase; plus strand). Cytogenetic location: 11q22.3.
Variant type: single nucleotide variant.
Coding change: c.4110-10A>G on transcript NM_000051.4 (MANE Select); 10 bases into the intron before coding-DNA position 4110, A replaced by G.
Molecular consequence: intron variant.
Genome position (GRCh38, 1-based): chr11:108,288,967, A>G. VCF-style: chr11-108288967-A-G. GRCh37 (hg19) VCF-style: chr11-108159694-A-G.
Other names: c.4110-10A>G (NM_001351834.2).
Identifiers: ClinVar variation 1002951 (VCV001002951.8), dbSNP rs2082636753, ClinGen allele CA1998796048.
Genomic context (GRCh38, chr11:108,288,967, plus strand): 5'-TGGAAGTTCACTGGTCTATGAACAAAACTTTTTAAAACGATGACTGTATTTTTTCCCTTA[A>G]CTCTGTTAGGGATTTGGATCCTGCTCCTAATCCACCTCATTTTCCATCGCATGTGATTAA-3'

ClinVar aggregate classification (germline): Uncertain significance (1 of 4 stars; one submission).

Conditions:
Ataxia-telangiectasia syndrome (AT). Also called: Ataxia-telangiectasia, complementation group D; AT, COMPLEMENTATION GROUP C; ATAXIA-TELANGIECTASIA, COMPLEMENTATION GROUP A; ATAXIA-TELANGIECTASIA, FRESNO VARIANT; Ataxia-telangiectasia; Cerebello-oculocutaneous telangiectasia. Identifiers: Orphanet 100, MedGen C0004135, MONDO:0008840, OMIM 208900.

Submission:

Labcorp Genetics (formerly Invitae), Labcorp
Classification: Uncertain significance for Ataxia-telangiectasia syndrome. Last evaluated: 2020-08-16. Review status: criteria provided, single submitter. Criteria: Invitae Variant Classification Sherloc (09022015). Collection method: clinical testing. Allele origin: germline.
Comment: In summary, the available evidence is currently insufficient to determine the role of this variant in disease. Therefore, it has been classified as a Variant of Uncertain Significance. Algorithms developed to predict the effect of sequence changes on RNA splicing suggest that this variant may disrupt the consensus splice site, but this prediction has not been confirmed by published transcriptional studies. This variant has not been reported in the literature in individuals with ATM-related conditions. This variant is not present in population databases (ExAC no frequency). This sequence change falls in intron 27 of the ATM gene. It does not directly change the encoded amino acid sequence of the ATM protein.